The following is an entry in ClinVar:

NM_005869.4(CWC27):c.994del (p.Gln332fs)

Gene: CWC27 (CWC27 spliceosome associated cyclophilin; plus strand). Cytogenetic location: 5q12.3.
Variant type: Deletion.
Coding change: c.994del on transcript NM_005869.4 (MANE Select); coding-DNA position 994, one base deleted (C; older notation c.994delC).
Protein change: p.Gln332fs; shifts the reading frame from glutamine 332.
Molecular consequence: frameshift variant.
Genome position (GRCh38, 1-based): chr5:64,885,498, C deleted. VCF-style (leftmost placement, unchanged base first): chr5-64885497-AC-A. GRCh37 (hg19) VCF-style: chr5-64181324-AC-A.
Other names: c.994del, p.Gln332fs (NM_001297644.1, NM_001364478.1); short protein forms Q332fs.
Identifiers: ClinVar variation 1446771 (VCV001446771.6), dbSNP rs2112343388, ClinGen allele CA2573139717.

ClinVar aggregate classification (germline): Pathogenic (1 of 4 stars; one submission).

Submission:

Labcorp Genetics (formerly Invitae), Labcorp
Classification: Pathogenic. Last evaluated: 2021-05-31. Review status: criteria provided, single submitter. Criteria: Invitae Variant Classification Sherloc (09022015). Collection method: clinical testing. Allele origin: germline.
Comment: This variant has not been reported in the literature in individuals with CWC27-related conditions. This variant is not present in population databases (ExAC no frequency). This sequence change creates a premature translational stop signal (p.Gln332Lysfs*4) in the CWC27 gene. It is expected to result in an absent or disrupted protein product. Loss-of-function variants in CWC27 are known to be pathogenic (PMID: 28285769). For these reasons, this variant has been classified as Pathogenic.

Literature cited by the submitters: PubMed 28285769.